The following is an entry in ClinVar:

ClinVar aggregate classification (germline): Pathogenic (1 of 4 stars; one submission).

Submission:

Labcorp Genetics (formerly Invitae), Labcorp
Classification: Pathogenic. Last evaluated: 2023-03-23. Review status: criteria provided, single submitter. Criteria: Invitae Variant Classification Sherloc (09022015). Collection method: clinical testing. Allele origin: germline.
Comment: This sequence change replaces leucine, which is neutral and non-polar, with tryptophan, which is neutral and slightly polar, at codon 81 of the LMX1B protein (p.Leu81Trp). This variant is not present in population databases (gnomAD no frequency). This missense change has been observed in individuals with clinical features of nail-patella syndrome (PMID: 11668639; Invitae). It has also been observed to segregate with disease in related individuals. This variant is also known as L58W 173T>G. ClinVar contains an entry for this variant (Variation ID: 1054038). Advanced modeling of protein sequence and biophysical properties (such as structural, functional, and spatial information, amino acid conservation, physicochemical variation, residue mobility, and thermodynamic stability) performed at Invitae indicates that this missense variant is expected to disrupt LMX1B protein function. For these reasons, this variant has been classified as Pathogenic.

Literature cited by the submitters: PubMed 11668639.

NM_001174147.2(LMX1B):c.242T>G (p.Leu81Trp)

Gene: LMX1B (LIM homeobox transcription factor 1 beta; plus strand). Cytogenetic location: 9q33.3.
Variant type: single nucleotide variant.
Coding change: c.242T>G on transcript NM_001174147.2 (MANE Select); coding-DNA position 242, T replaced by G.
Protein change: p.Leu81Trp; replaces leucine 81 with tryptophan.
Molecular consequence: missense variant.
Genome position (GRCh38, 1-based): chr9:126,615,485, T>G. VCF-style: chr9-126615485-T-G. GRCh37 (hg19) VCF-style: chr9-129377764-T-G.
Other names: c.242T>G, p.Leu81Trp (NM_001174146.2, NM_002316.4); short protein forms L81W.
Identifiers: ClinVar variation 1054038 (VCV001054038.9), dbSNP rs1835285672, ClinGen allele CA374910067.
Genomic context (GRCh38, chr9:126,615,485, plus strand): 5'-GGCCCATCTCCGACCGCTTCCTGATGCGAGTCAACGAGTCGTCCTGGCACGAGGAGTGTT[T>G]GCAGTGCGCGGCGTGTCAGCAAGCCCTCACCACCAGCTGCTACTTCCGGGATCGGAAACT-3'
Protein context (NP_001167618.1, residues 71-91): VNESSWHEEC[Leu81Trp]QCAACQQALT